The following is an entry in ClinVar:

ClinVar aggregate classification (germline): Uncertain significance (1 of 4 stars; one submission).

Conditions:
Progressive myoclonic epilepsy type 5. Identifiers: Orphanet 402082, MedGen C5190799.

Submission:

Labcorp Genetics (formerly Invitae), Labcorp
Classification: Uncertain significance for Progressive myoclonic epilepsy type 5. Last evaluated: 2019-02-22. Review status: criteria provided, single submitter. Criteria: Invitae Variant Classification Sherloc (09022015). Collection method: clinical testing. Allele origin: germline.
Comment: In summary, the available evidence is currently insufficient to determine the role of this variant in disease. Therefore, it has been classified as a Variant of Uncertain Significance. Algorithms developed to predict the effect of missense changes on protein structure and function (SIFT, PolyPhen-2, Align-GVGD) all suggest that this variant is likely to be tolerated, but these predictions have not been confirmed by published functional studies and their clinical significance is uncertain. This variant has not been reported in the literature in individuals with PRICKLE2-related conditions. This variant is not present in population databases (ExAC no frequency). This sequence change replaces glutamine with lysine at codon 613 of the PRICKLE2 protein (p.Gln613Lys). The glutamine residue is highly conserved and there is a small physicochemical difference between glutamine and lysine.

NM_198859.4(PRICKLE2):c.1837C>A (p.Gln613Lys)

Genes: PRICKLE2 (prickle planar cell polarity protein 2; minus strand), PRICKLE2-AS1 (PRICKLE2 antisense RNA 1; plus strand). Cytogenetic location: 3p14.1.
Variant type: single nucleotide variant.
Coding change: c.1837C>A on transcript NM_198859.4 (MANE Select); coding-DNA position 1837, C replaced by A.
Protein change: p.Gln613Lys; replaces glutamine 613 with lysine.
Molecular consequence: missense variant. On other transcripts: non-coding transcript variant (1).
Genome position (GRCh38, 1-based): chr3:64,099,749, G>T on the plus strand (C>A on the coding strand, the complement: PRICKLE2 is on the minus strand). VCF-style: chr3-64099749-G-T. GRCh37 (hg19) VCF-style: chr3-64085425-G-T.
Other names: c.1837C>A, p.Gln613Lys (NM_001370528.1); short protein forms Q613K.
Identifiers: ClinVar variation 847838 (VCV000847838.7), dbSNP rs2076625078, ClinGen allele CA353427767.
Genomic context (GRCh38, chr3:64,099,749, plus strand): 5'-GGTCTCTGTAGCCAATGGGGTTGCTGAGCTGGTGGAGGTTTCCCTCCATCTCCTGGTACT[G>T]CTGGGCAGAGAGCAGGCTGCGAACTGACTCTGCGCTCCGGAACTGCATGGACGAGTTAAG-3'
Protein context (NP_942559.1, residues 603-623): ESVRSLLSAQ[Gln613Lys]YQEMEGNLHQ